The following is an entry in ClinVar:

NM_000392.5(ABCC2):c.1860T>A (p.Asp620Glu)

Gene: ABCC2 (ATP binding cassette subfamily C member 2; plus strand). Cytogenetic location: 10q24.2.
Variant type: single nucleotide variant.
Coding change: c.1860T>A on transcript NM_000392.5 (MANE Select); coding-DNA position 1860, T replaced by A.
Protein change: p.Asp620Glu; replaces aspartic acid 620 with glutamic acid.
Molecular consequence: missense variant.
Genome position (GRCh38, 1-based): chr10:99,810,178, T>A. VCF-style: chr10-99810178-T-A. GRCh37 (hg19) VCF-style: chr10-101569935-T-A.
Other names: p.Asp620Glu; c.1860T>A, p.Asp620Glu (LRG_1208t1); c.1860T>A (NM_000392.4); short protein forms D620E.
Identifiers: ClinVar variation 298454 (VCV000298454.15), dbSNP rs141413284, ClinGen allele CA5643314.
Genomic context (GRCh38, chr10:99,810,178, plus strand): 5'-TTGTGTCCTTCTCTAGGCCAGTGTTTCCACAGAGCGGCTAGAGAAGTACTTGGGAGGGGA[T>A]GACTTGGACACATCTGCCATTCGACATGACTGCAATTTTGGTAAATAAATTTGGAAGTTG-3'
Protein context (NP_000383.2, residues 610-630): TERLEKYLGG[Asp620Glu]DLDTSAIRHD

ClinVar aggregate classification (germline): Uncertain significance. Review status: criteria provided, multiple submitters, no conflicts (2 of 4 stars). 5 submissions from 5 submitters: Uncertain significance (5). Last evaluated 2026-05-22.

Conditions:
Dubin-Johnson syndrome (DJS). Also called: HYPERBILIRUBINEMIA, DUBIN-JOHNSON TYPE; Jaundice, Chronic Idiopathic; Hyperbilirubinemia type 2. Identifiers: Orphanet 234, MedGen C0022350, MONDO:0009380, OMIM 237500.
Inborn genetic diseases. Identifiers: MedGen C0950123, MeSH D030342.
ABCC2-related disorder. Also called: ABCC2-related condition.

Allele frequency attached by ClinVar (database versions not stated): 1000 Genomes Project 30x 0.00031; ESP Exome Variant Server 0.00038; 1000 Genomes Project 0.00040; ExAC 0.00055; gnomAD exomes 0.00069 and 0.00115; TOPMed 0.00070; gnomAD 0.00072 and 0.00075.
gnomAD v4.1: 1,755 of 1,613,660 alleles (0.11%); highest among the groups gnomAD compares: Non-Finnish European, 0.14%; 1 homozygote.

Submissions (5):

PreventionGenetics, part of Exact Sciences
Classification: Uncertain significance for ABCC2-related condition. Last evaluated: 2026-05-22. Review status: criteria provided, single submitter. Criteria: ACMG Guidelines, 2015. Collection method: clinical testing. Allele origin: germline.
Comment: The ABCC2 c.1860T>A variant is predicted to result in the amino acid substitution p.Asp620Glu. To our knowledge, this variant has not been reported in the literature. This variant is reported in 0.12% of alleles in individuals of European (Non-Finnish) descent in gnomAD, which may be too frequent to be a primary cause of disease. Although we suspect that this variant may be benign, at this time, the clinical significance of this variant is uncertain due to the absence of conclusive functional and genetic evidence.

Ambry Genetics
Classification: Uncertain significance for Inborn genetic diseases. Last evaluated: 2026-03-25. Review status: criteria provided, single submitter. Criteria: Ambry Variant Classification Scheme 2023. Collection method: clinical testing. Allele origin: germline.

Mayo Clinic Laboratories, Mayo Clinic
Classification: Uncertain significance. Last evaluated: 2022-10-06. Review status: criteria provided, single submitter. Criteria: ACMG Guidelines, 2015. Collection method: clinical testing. Allele origin: germline. Observed: 1 variant allele.
Comment: BP4

Eurofins Ntd Llc (ga)
Classification: Uncertain significance. Last evaluated: 2018-01-26. Review status: criteria provided, single submitter. Criteria: EGL Classification Definitions 2015. Collection method: clinical testing. Allele origin: germline. Observed: 3 variant alleles, 3 heterozygotes.

Illumina Laboratory Services, Illumina
Classification: Uncertain significance for Dubin-Johnson syndrome. Last evaluated: 2018-01-12. Review status: criteria provided, single submitter. Criteria: ICSL Variant Classification Criteria 13 December 2019. Collection method: clinical testing. Allele origin: germline.